The following is an entry in ClinVar:

ClinVar aggregate classification (germline): Uncertain significance (1 of 4 stars; one submission).

Conditions:
Neuronopathy, distal hereditary motor, type 7A. Also called: SPINAL MUSCULAR ATROPHY, DISTAL, WITH VOCAL CORD PARALYSIS; Neuronopathy, distal hereditary motor, type viia; HARPER-YOUNG MYOPATHY; HMN VIIA; NEURONOPATHY, DISTAL HEREDITARY MOTOR, HARDING TYPE VIIA; NEUROPATHY, DISTAL HEREDITARY MOTOR, HARDING TYPE VIIA. Identifiers: Orphanet 139589, MedGen C1834703, MONDO:0008024, OMIM 158580.
Congenital myasthenic syndrome 20. Also called: Myasthenic syndrome, congenital, 20, presynaptic. Identifiers: MedGen C4310694, MONDO:0014939, OMIM 617143.

Submission:

Labcorp Genetics (formerly Invitae), Labcorp
Classification: Uncertain significance for Neuronopathy, distal hereditary motor, type 7A; Congenital myasthenic syndrome 20. Last evaluated: 2024-02-24. Review status: criteria provided, single submitter. Criteria: Invitae Variant Classification Sherloc (09022015). Collection method: clinical testing. Allele origin: germline.
Comment: This sequence change replaces tryptophan, which is neutral and slightly polar, with cysteine, which is neutral and slightly polar, at codon 379 of the SLC5A7 protein (p.Trp379Cys). This variant is not present in population databases (gnomAD no frequency). This variant has not been reported in the literature in individuals affected with SLC5A7-related conditions. ClinVar contains an entry for this variant (Variation ID: 2095325). Advanced modeling of protein sequence and biophysical properties (such as structural, functional, and spatial information, amino acid conservation, physicochemical variation, residue mobility, and thermodynamic stability) performed at Invitae indicates that this missense variant is not expected to disrupt SLC5A7 protein function with a negative predictive value of 80%. In summary, the available evidence is currently insufficient to determine the role of this variant in disease. Therefore, it has been classified as a Variant of Uncertain Significance.

NM_021815.5(SLC5A7):c.1137G>T (p.Trp379Cys)

Gene: SLC5A7 (solute carrier family 5 member 7; plus strand). Cytogenetic location: 2q12.3.
Variant type: single nucleotide variant.
Coding change: c.1137G>T on transcript NM_021815.5 (MANE Select); coding-DNA position 1137, G replaced by T.
Protein change: p.Trp379Cys; replaces tryptophan 379 with cysteine.
Molecular consequence: missense variant.
Genome position (GRCh38, 1-based): chr2:108,010,255, G>T. VCF-style: chr2-108010255-G-T. GRCh37 (hg19) VCF-style: chr2-108626711-G-T.
Other names: c.1137G>T, p.Trp379Cys (NM_001305005.3); c.822G>T, p.Trp274Cys (NM_001305006.3); c.396G>T, p.Trp132Cys (NM_001305007.3); short protein forms W132C, W274C, W379C.
Identifiers: ClinVar variation 2095325 (VCV002095325.4), dbSNP rs371177364, ClinGen allele CA348113930.
Genomic context (GRCh38, chr2:108,010,255, plus strand): 5'-CTGTGCAAAAAGCTGACACTGTGGCAATTTCTTACAGGCTTCGGACAAAGAAATCGTTTG[G>T]GTTATGCGAATCACAGTGTTTGTGTTTGGAGCATCTGCAACAGCCATGGCCTTGCTGACG-3'
Protein context (NP_068587.1, residues 369-389): RQNASDKEIV[Trp379Cys]VMRITVFVFG